The following is an entry in ClinVar:

NM_002485.5(NBN):c.2007del (p.Arg670fs)

Gene: NBN (nibrin; minus strand). Cytogenetic location: 8q21.3.
Variant type: Deletion.
Coding change: c.2007del on transcript NM_002485.5 (MANE Select); coding-DNA position 2007, one base deleted (C; older notation c.2007delC).
Protein change: p.Arg670fs; shifts the reading frame from arginine 670.
Molecular consequence: frameshift variant.
Genome position (GRCh38, 1-based): chr8:89,946,203, G deleted on the plus strand (C on the coding strand, the reverse complement: NBN is on the minus strand); the first of 2 consecutive G bases (chr8:89,946,203-89,946,204); deleting either gives the same sequence. VCF-style (leftmost placement, unchanged base first): chr8-89946202-TG-T. GRCh37 (hg19) VCF-style: chr8-90958430-TG-T.
Other names: c.1761del, p.Arg588fs (NM_001024688.3); short protein forms R670fs, R588fs.
Identifiers: ClinVar variation 2856550 (VCV002856550.3), dbSNP rs2129647242, ClinGen allele CA2717850457.

ClinVar aggregate classification (germline): Pathogenic (1 of 4 stars; one submission).

Conditions:
Microcephaly, normal intelligence and immunodeficiency (NBS). Also called: IMMUNODEFICIENCY, MICROCEPHALY, AND CHROMOSOMAL INSTABILITY; SEEMANOVA SYNDROME II; BERLIN BREAKAGE SYNDROME; Nijmegen breakage syndrome; Microcephaly with normal intelligence immunodeficiency and lymphoreticular malignancies; Nonsyndromal microcephaly autosomal recessive with normal intelligence. Identifiers: Orphanet 647, MedGen C0398791, MONDO:0009623, OMIM 251260.

Submission:

Labcorp Genetics (formerly Invitae), Labcorp
Classification: Pathogenic for Microcephaly, normal intelligence and immunodeficiency. Last evaluated: 2023-04-15. Review status: criteria provided, single submitter. Criteria: Invitae Variant Classification Sherloc (09022015). Collection method: clinical testing. Allele origin: germline.
Comment: This sequence change creates a premature translational stop signal (p.Arg670Glufs*6) in the NBN gene. It is expected to result in an absent or disrupted protein product. Loss-of-function variants in NBN are known to be pathogenic (PMID: 9590180, 16415040). This variant is not present in population databases (gnomAD no frequency). This variant has not been reported in the literature in individuals affected with NBN-related conditions. For these reasons, this variant has been classified as Pathogenic.

Literature cited by the submitters: PubMed 9590180; PubMed 16415040.